The following is an entry in ClinVar:

ClinVar aggregate classification (germline): Likely benign. Review status: criteria provided, multiple submitters, no conflicts (2 of 4 stars). 5 submissions from 5 submitters: Likely benign (3). 2 of the submissions do not count toward it. Last evaluated 2025-04-17.

Conditions:
Cardiomyopathy (CMYO). Also called: Cardiomyopathies. Identifiers: Orphanet 167848, MedGen C0878544, MONDO:0004994, HP:0001638. Inheritance: Various modes of inheritance.
Myofibrillar myopathy 5. Also called: Filaminopathy (type); FILAMINOPATHY, AUTOSOMAL DOMINANT. Identifiers: Orphanet 171445, MedGen C1836050, MONDO:0012289, OMIM 609524.
Hypertrophic cardiomyopathy 26. Also called: Cardiomyopathy, familial hypertrophic, 26. Identifiers: Orphanet 75249, MedGen C4310749, MONDO:0014883, OMIM 617047.
Distal myopathy with posterior leg and anterior hand involvement. Also called: WILLIAMS DISTAL MYOPATHY. Identifiers: Orphanet 63273, MedGen C3279722, MONDO:0013550, OMIM 614065.

Allele frequency attached by ClinVar (database versions not stated): gnomAD exomes below 0.00001 and 0.00001; TOPMed below 0.00001; gnomAD 0.00001.

Submissions (5):

Labcorp Genetics (formerly Invitae), Labcorp
Classification: Likely benign for Distal myopathy with posterior leg and anterior hand involvement; Myofibrillar myopathy 5; Hypertrophic cardiomyopathy 26. Last evaluated: 2025-04-17. Review status: criteria provided, single submitter. Criteria: Invitae Variant Classification Sherloc (09022015). Collection method: clinical testing. Allele origin: germline.

CeGaT Center for Human Genetics Tuebingen
Classification: Likely benign. Last evaluated: 2023-01-01. Review status: criteria provided, single submitter. Criteria: CeGaT Center For Human Genetics Tuebingen Variant Classification Criteria Version 2. Collection method: clinical testing. Allele origin: germline. Affected: yes. Observed: 1 variant allele.
Comment: FLNC: BP4, BP7

CHEO Genetics Diagnostic Laboratory, Children's Hospital of Eastern Ontario
Classification: Likely benign for Cardiomyopathy. Last evaluated: 2022-02-16. Review status: criteria provided, single submitter. Criteria: ACMG Guidelines, 2015. Collection method: clinical testing. Allele origin: germline.

Genome Diagnostics Laboratory, University Medical Center Utrecht
Classification: Likely benign. Review status: no assertion criteria provided. Collection method: clinical testing. Allele origin: germline. Affected: yes. Study: VKGL Data-share Consensus. Not counted in ClinVar's aggregate classification.

Joint Genome Diagnostic Labs from Nijmegen and Maastricht, Radboudumc and MUMC+
Classification: Likely benign. Review status: no assertion criteria provided. Collection method: clinical testing. Allele origin: germline. Affected: yes. Study: VKGL Data-share Consensus. Not counted in ClinVar's aggregate classification.

NM_001458.5(FLNC):c.4728C>T (p.Val1576=)

Gene: FLNC (filamin C; plus strand). Cytogenetic location: 7q32.1.
Variant type: single nucleotide variant.
Coding change: c.4728C>T on transcript NM_001458.5 (MANE Select); coding-DNA position 4728, C replaced by T.
Protein change: p.Val1576=; no amino-acid change (valine 1576 retained).
Molecular consequence: synonymous variant.
Genome position (GRCh38, 1-based): chr7:128,848,708, C>T. VCF-style: chr7-128848708-C-T. GRCh37 (hg19) VCF-style: chr7-128488762-C-T.
Other names: c.4728C>T (NM_001458.4); c.4728C>T, p.Val1576= (NM_001127487.2).
Identifiers: ClinVar variation 1299809 (VCV001299809.35), dbSNP rs1222823077, ClinGen allele CA457848709.